The following is an entry in ClinVar:

ClinVar aggregate classification (germline): Pathogenic (1 of 4 stars; one submission).

Conditions:
Gastrointestinal stromal tumor. Also called: Gastrointestinal stromal tumor, somatic; Gastrointestinal stroma tumor. Identifiers: Orphanet 44890, MedGen C0238198, MeSH D046152, MONDO:0011719, OMIM 606764, HP:0100723.
Pheochromocytoma. Also called: MAX-Related Hereditary Paraganglioma-Pheochromocytoma Syndrome. Identifiers: Orphanet 29072, MedGen C0031511, MONDO:0008233, OMIM 171300, HP:0002666.
Pheochromocytoma/paraganglioma syndrome 4. Also called: PARAGANGLIOMA, FAMILIAL MALIGNANT; PARAGANGLIOMAS, HEREDITARY EXTRAADRENAL; PHEOCHROMOCYTOMA, FAMILIAL EXTRAADRENAL; Paragangliomas 4; SDHB-Related Hereditary Paraganglioma-Pheochromocytoma Syndrome (Paragangliomas 4); SDHB-Related Hereditary Paraganglioma-Pheochromocytoma Syndrome. Identifiers: Orphanet 29072, MedGen C1861848, MONDO:0007273, OMIM 115310.

Submission:

Labcorp Genetics (formerly Invitae), Labcorp
Classification: Pathogenic for Gastrointestinal stromal tumor; Pheochromocytoma/paraganglioma syndrome 4; Pheochromocytoma. Last evaluated: 2016-09-15. Review status: criteria provided, single submitter. Criteria: Invitae Variant Classification Sherloc (09022015). Collection method: clinical testing. Allele origin: germline.
Comment: A gross deletion of the genomic region encompassing the full coding sequence of the SDHB gene has been identified. The boundaries of this event are unknown as the deletion extends beyond the assayed region for this gene and therefore may encompass additional genes. Gross deletions in SDHB are known to be pathogenic (PMID: 23666964, 19351833). While the boundaries of this deletion are not known, similar deletions encompassing the whole SDHB coding region have been reported in individuals affected with paraganglioma (PMID: 16258955, 19351833). For these reasons, this variant has been classified as Pathogenic.

NC_000001.11:g.(?_17018722)_(17054170_?)del

Genes: SDHB (succinate dehydrogenase complex iron sulfur subunit B; minus strand), LOC129929541 (ATAC-STARR-seq lymphoblastoid active region 276; plus strand), LOC129929542 (ATAC-STARR-seq lymphoblastoid active region 277; plus strand). Cytogenetic location: 1p36.13.
Variant type: Deletion.
Other names: c.-151-?_*159+?del (LRG_316t1).
Identifiers: ClinVar variation 239419 (VCV000239419.1).